The following is an entry in ClinVar:

NM_019032.6(ADAMTSL4):c.1056G>A (p.Trp352Ter)

Genes: ADAMTSL4 (ADAMTS like 4; plus strand), ADAMTSL4-AS2 (ADAMTSL4 antisense RNA 2; minus strand). Cytogenetic location: 1q21.2.
Variant type: single nucleotide variant.
Coding change: c.1056G>A on transcript NM_019032.6 (MANE Select); coding-DNA position 1056, G replaced by A.
Protein change: p.Trp352Ter; replaces tryptophan 352 with a stop codon.
Molecular consequence: nonsense.
Genome position (GRCh38, 1-based): chr1:150,554,047, G>A. VCF-style: chr1-150554047-G-A. GRCh37 (hg19) VCF-style: chr1-150526523-G-A.
Other names: c.1056G>A, p.Trp352Ter (NM_001288607.2, NM_001288608.2, NM_001378596.1 and 1 more transcripts); short protein forms W352*.
Identifiers: ClinVar variation 2985919 (VCV002985919.3), dbSNP rs2526620399, ClinGen allele CA342303455.
Genomic context (GRCh38, chr1:150,554,047, plus strand): 5'-TCAGCACCCGGGCGCCTGGCTGCCCCTGCTGAGCAACGGCCCCCATGCCAGCTCCCTCTG[G>A]AGCCTCTTTGCTCCCAGTAGCCCTATTCCAAGATGTTCTGGGGAGAGTGAACAGCTAAGA-3'

ClinVar aggregate classification (germline): Pathogenic (1 of 4 stars; one submission).

Submission:

Labcorp Genetics (formerly Invitae), Labcorp
Classification: Pathogenic. Last evaluated: 2023-12-09. Review status: criteria provided, single submitter. Criteria: Invitae Variant Classification Sherloc (09022015). Collection method: clinical testing. Allele origin: germline.
Comment: This sequence change creates a premature translational stop signal (p.Trp352*) in the ADAMTSL4 gene. It is expected to result in an absent or disrupted protein product. Loss-of-function variants in ADAMTSL4 are known to be pathogenic (PMID: 20564469, 28642162). This variant is not present in population databases (gnomAD no frequency). This variant has not been reported in the literature in individuals affected with ADAMTSL4-related conditions. Algorithms developed to predict the effect of sequence changes on RNA splicing suggest that this variant may create or strengthen a splice site. For these reasons, this variant has been classified as Pathogenic.

Literature cited by the submitters: PubMed 20564469; PubMed 28642162.